The following is an entry in ClinVar:

NM_201384.3(PLEC):c.11546C>T (p.Pro3849Leu)

Gene: PLEC (plectin; minus strand). Cytogenetic location: 8q24.3.
Variant type: single nucleotide variant.
Coding change: c.11546C>T on transcript NM_201384.3 (MANE Select); coding-DNA position 11546, C replaced by T.
Protein change: p.Pro3849Leu; replaces proline 3849 with leucine.
Molecular consequence: missense variant.
Genome position (GRCh38, 1-based): chr8:143,918,275, G>A on the plus strand (C>T on the coding strand, the complement: PLEC is on the minus strand). VCF-style: chr8-143918275-G-A. GRCh37 (hg19) VCF-style: chr8-144992443-G-A.
Other names: c.11627C>T (NM_000445.3); c.11627C>T, p.Pro3876Leu (NM_000445.5); c.8246C>T, p.Pro2749Leu (NM_001410941.1); c.11504C>T, p.Pro3835Leu (NM_201378.4); c.11480C>T, p.Pro3827Leu (NM_201379.3); c.11957C>T, p.Pro3986Leu (NM_201380.4); c.11450C>T, p.Pro3817Leu (NM_201381.3); c.11546C>T, p.Pro3849Leu (NM_201382.4); and 1 more; short protein forms P3849L, P3986L, P3817L, P2749L, P3876L, P3827L, P3835L, P3853L.
Identifiers: ClinVar variation 2945114 (VCV002945114.4), dbSNP rs781799584, ClinGen allele CA4924321.

ClinVar aggregate classification (germline): Uncertain significance. Review status: criteria provided, multiple submitters, no conflicts (2 of 4 stars). 2 submissions from 2 submitters: Uncertain significance (2). Last evaluated 2024-02-28.

Conditions:
Epidermolysis bullosa simplex with nail dystrophy (EBS5D). Identifiers: MedGen C4225309, MONDO:0014661, OMIM 616487.
Epidermolysis bullosa simplex, Ogna type (EBS5A). Also called: Pidermolysis bullosa simplex 5A, Ogna type; EPIDERMOLYSIS BULLOSA SIMPLEX 5A, OGNA TYPE. Identifiers: Orphanet 79401, MedGen C0432317, MONDO:0007555, OMIM 131950.
Autosomal recessive limb-girdle muscular dystrophy type 2Q (LGMDR17). Also called: MUSCULAR DYSTROPHY, LIMB-GIRDLE, AUTOSOMAL RECESSIVE 17. Identifiers: Orphanet 254361, MedGen C3150989, MONDO:0013390, OMIM 613723.
Epidermolysis bullosa simplex 5B, with muscular dystrophy (EBS5B). Also called: EPIDERMOLYSIS BULLOSA SIMPLEX AND LIMB-GIRDLE MUSCULAR DYSTROPHY; Epidermolysis bullosa simplex with muscular dystrophy. Identifiers: Orphanet 257, MedGen C2931072, MONDO:0009181, OMIM 226670.
Epidermolysis bullosa simplex 5C, with pyloric atresia (EBS5C). Also called: PLEC-Related Epidermolysis Bullosa with Pyloric Atresia; Epidermolysis bullosa simplex with pyloric atresia; PLEC1-Related Epidermolysis Bullosa with Pyloric Atresia. Identifiers: Orphanet 158684, MedGen C2677349, MONDO:0012807, OMIM 612138.
Inborn genetic diseases. Identifiers: MedGen C0950123, MeSH D030342.

Allele frequency attached by ClinVar (database versions not stated): TOPMed 0.00001; gnomAD 0.00004; ExAC 0.00005.
gnomAD v4.1: 29 of 1,592,450 alleles (0.0018%); highest among the groups gnomAD compares: Admixed American, 0.0051%; no homozygotes.

Submissions (2):

Ambry Genetics
Classification: Uncertain significance for Inborn genetic diseases. Last evaluated: 2024-02-28. Review status: criteria provided, single submitter. Criteria: Ambry Variant Classification Scheme 2023. Collection method: clinical testing. Allele origin: germline.

Labcorp Genetics (formerly Invitae), Labcorp
Classification: Uncertain significance for Autosomal recessive limb-girdle muscular dystrophy type 2Q; Epidermolysis bullosa simplex, Ogna type; Epidermolysis bullosa simplex with nail dystrophy; Epidermolysis bullosa simplex 5C, with pyloric atresia; Epidermolysis bullosa simplex 5B, with muscular dystrophy. Last evaluated: 2023-10-28. Review status: criteria provided, single submitter. Criteria: Invitae Variant Classification Sherloc (09022015). Collection method: clinical testing. Allele origin: germline.
Comment: This sequence change replaces proline, which is neutral and non-polar, with leucine, which is neutral and non-polar, at codon 3876 of the PLEC protein (p.Pro3876Leu). This variant is present in population databases (rs781799584, gnomAD 0.01%). This variant has not been reported in the literature in individuals affected with PLEC-related conditions. An algorithm developed to predict the effect of missense changes on protein structure and function (PolyPhen-2) suggests that this variant is likely to be disruptive. In summary, the available evidence is currently insufficient to determine the role of this variant in disease. Therefore, it has been classified as a Variant of Uncertain Significance.